The following is an entry in ClinVar:

NM_001037.5(SCN1B):c.290G>C (p.Gly97Ala)

Gene: SCN1B (sodium voltage-gated channel beta subunit 1; plus strand). Cytogenetic location: 19q13.11.
Variant type: single nucleotide variant.
Coding change: c.290G>C on transcript NM_001037.5 (MANE Select); coding-DNA position 290, G replaced by C.
Protein change: p.Gly97Ala; replaces glycine 97 with alanine.
Molecular consequence: missense variant.
Genome position (GRCh38, 1-based): chr19:35,033,581, G>C. VCF-style: chr19-35033581-G-C. GRCh37 (hg19) VCF-style: chr19-35524485-G-C.
Other names: c.191G>C, p.Gly64Ala (NM_001321605.2); c.290G>C, p.Gly97Ala (NM_199037.5); short protein forms G64A, G97A.
Identifiers: ClinVar variation 1463821 (VCV001463821.6), dbSNP rs2064228310, ClinGen allele CA405328708.

ClinVar aggregate classification (germline): Uncertain significance (1 of 4 stars; one submission).

Conditions:
Brugada syndrome 5 (BRGDA5). Identifiers: Orphanet 130, Orphanet 871, MedGen C2748541, MONDO:0013015, OMIM 612838.

Submission:

Labcorp Genetics (formerly Invitae), Labcorp
Classification: Uncertain significance for Brugada syndrome 5. Last evaluated: 2022-06-29. Review status: criteria provided, single submitter. Criteria: Invitae Variant Classification Sherloc (09022015). Collection method: clinical testing. Allele origin: germline.
Comment: Algorithms developed to predict the effect of missense changes on protein structure and function are either unavailable or do not agree on the potential impact of this missense change (SIFT: "Deleterious"; PolyPhen-2: "Possibly Damaging"; Align-GVGD: "Class C0"). In summary, the available evidence is currently insufficient to determine the role of this variant in disease. Therefore, it has been classified as a Variant of Uncertain Significance. This sequence change replaces glycine, which is neutral and non-polar, with alanine, which is neutral and non-polar, at codon 97 of the SCN1B protein (p.Gly97Ala). This variant has not been reported in the literature in individuals affected with SCN1B-related conditions. This variant is not present in population databases (gnomAD no frequency).